The following is an entry in ClinVar:

NM_002439.5(MSH3):c.359-5C>T

Gene: MSH3 (mutS homolog 3; plus strand). Cytogenetic location: 5q14.1.
Variant type: single nucleotide variant.
Coding change: c.359-5C>T on transcript NM_002439.5 (MANE Select); 5 bases into the intron before coding-DNA position 359, C replaced by T.
Molecular consequence: intron variant.
Genome position (GRCh38, 1-based): chr5:80,665,138, C>T. VCF-style: chr5-80665138-C-T. GRCh37 (hg19) VCF-style: chr5-79960957-C-T.
Identifiers: ClinVar variation 3572213 (VCV003572213.1).

ClinVar aggregate classification (germline): Uncertain significance (1 of 4 stars; one submission).

Submission:

Quest Diagnostics Nichols Institute San Juan Capistrano
Classification: Uncertain significance. Last evaluated: 2023-10-27. Review status: criteria provided, single submitter. Criteria: Quest Diagnostics criteria. Collection method: clinical testing. Allele origin: unknown.
Comment: The MSH3 c.359-5C>T variant has not been reported in individuals with MSH3-related conditions in the published literature. It also has not been reported in large, multi-ethnic general populations (Genome Aggregation Database). Analysis of this variant using software algorithms for the prediction of the effect of nucleotide changes on splicing yielded predictions that this variant does not affect MSH3 mRNA splicing. Based on the available information, we are unable to determine the clinical significance of this variant.